The following is an entry in ClinVar:

ClinVar aggregate classification (germline): Uncertain significance (1 of 4 stars; one submission).

gnomAD v4.1: 6 of 1,601,996 alleles (0.00037%); highest among the groups gnomAD compares: Non-Finnish European, 0.00051%; no homozygotes.

Submission:

Labcorp Genetics (formerly Invitae), Labcorp
Classification: Uncertain significance. Last evaluated: 2025-02-24. Review status: criteria provided, single submitter. Criteria: Invitae Variant Classification Sherloc (09022015). Collection method: clinical testing. Allele origin: germline.
Comment: This sequence change replaces alanine, which is neutral and non-polar, with serine, which is neutral and polar, at codon 289 of the HS6ST1 protein (p.Ala289Ser). This variant is present in population databases (no rsID available, gnomAD 0.001%). This variant has not been reported in the literature in individuals affected with HS6ST1-related conditions. Invitae Evidence Modeling of protein sequence and biophysical properties (such as structural, functional, and spatial information, amino acid conservation, physicochemical variation, residue mobility, and thermodynamic stability) indicates that this missense variant is not expected to disrupt HS6ST1 protein function with a negative predictive value of 80%. In summary, the available evidence is currently insufficient to determine the role of this variant in disease. Therefore, it has been classified as a Variant of Uncertain Significance.

NM_004807.3(HS6ST1):c.865G>T (p.Ala289Ser)

Gene: HS6ST1 (heparan sulfate 6-O-sulfotransferase 1; minus strand). Cytogenetic location: 2q14.3.
Variant type: single nucleotide variant.
Coding change: c.865G>T on transcript NM_004807.3 (MANE Select); coding-DNA position 865, G replaced by T.
Protein change: p.Ala289Ser; replaces alanine 289 with serine.
Molecular consequence: missense variant.
Genome position (GRCh38, 1-based): chr2:128,268,533, C>A on the plus strand (G>T on the coding strand, the complement: HS6ST1 is on the minus strand). VCF-style: chr2-128268533-C-A. GRCh37 (hg19) VCF-style: chr2-129026107-C-A.
Other names: short protein forms A289S.
Identifiers: ClinVar variation 3713773 (VCV003713773.2).